The following is an entry in ClinVar:

ClinVar aggregate classification (germline): Benign (1 of 4 stars; one submission).

Allele frequency attached by ClinVar (database versions not stated): TOPMed 0.59000; 1000 Genomes Project 0.62151.
gnomAD v4.1: 87,930 of 146,246 alleles (60%); highest among the groups gnomAD compares: African/African-American, 77%; 26,179 homozygotes.

Submission:

GeneDx
Classification: Benign. Last evaluated: 2019-10-16. Review status: criteria provided, single submitter. Criteria: GeneDx Variant Classification Process June 2021. Collection method: clinical testing. Allele origin: germline. Affected: yes.
Comment: This variant is associated with the following publications: (PMID: 30823486)

NM_001291712.2(ESR2):c.-91+2334T>G

Gene: ESR2 (estrogen receptor 2; minus strand). Cytogenetic location: 14q23.2.
Variant type: single nucleotide variant.
Coding change: c.-91+2334T>G on transcript NM_001291712.2; 2334 bases into the intron after 91 bases upstream of the start codon, T replaced by G.
Molecular consequence: intron variant.
Genome position (GRCh38, 1-based): chr14:64,295,199, A>C on the plus strand (T>G on the coding strand, the complement: ESR2 is on the minus strand). VCF-style: chr14-64295199-A-C. GRCh37 (hg19) VCF-style: chr14-64761917-A-C.
Other names: c.-90-12124T>G (NM_001291723.1).
Identifiers: ClinVar variation 1236069 (VCV001236069.5), dbSNP rs1271572, ClinGen allele CA15802836.